The following is an entry in ClinVar:

NM_016507.4(CDK12):c.1648C>T (p.Pro550Ser)

Gene: CDK12 (cyclin dependent kinase 12; plus strand). Cytogenetic location: 17q12.
Variant type: single nucleotide variant.
Coding change: c.1648C>T on transcript NM_016507.4 (MANE Select); coding-DNA position 1648, C replaced by T.
Protein change: p.Pro550Ser; replaces proline 550 with serine.
Molecular consequence: missense variant.
Genome position (GRCh38, 1-based): chr17:39,471,480, C>T. VCF-style: chr17-39471480-C-T. GRCh37 (hg19) VCF-style: chr17-37627733-C-T.
Other names: c.1648C>T, p.Pro550Ser (NM_015083.4); short protein forms P550S.
Identifiers: ClinVar variation 3489378 (VCV003489378.1).
Genomic context (GRCh38, chr17:39,471,480, plus strand): 5'-CCCACAATTGCTTCTCCCCCACCCCCTCTACCAACTACTACCCCTCCACCTCAGACACCC[C>T]CTTTGCCACCTTTGCCTCCAATACCAGCTCTTCCACAGCAACCACCTCTGCCTCCTTCTC-3'
Protein context (NP_057591.2, residues 540-560): PTTTPPPQTP[Pro550Ser]LPPLPPIPAL

ClinVar aggregate classification (germline): Uncertain significance (1 of 4 stars; one submission).

gnomAD v4.1: 6 of 1,613,722 alleles (0.00037%); highest among the groups gnomAD compares: African/African-American, 0.008%; no homozygotes.

Submission:

Ambry Genetics
Classification: Uncertain significance. Last evaluated: 2024-12-07. Review status: criteria provided, single submitter. Criteria: Ambry Variant Classification Scheme 2023. Collection method: clinical testing. Allele origin: germline.
Comment: The p.P550S variant (also known as c.1648C>T), located in coding exon 2 of the CDK12 gene, results from a C to T substitution at nucleotide position 1648. The proline at codon 550 is replaced by serine, an amino acid with similar properties. This amino acid position is conserved. In addition, this alteration is predicted to be tolerated by in silico analysis. Based on the available evidence, the clinical significance of this variant remains unclear.